The following is an entry in ClinVar:

ClinVar aggregate classification (germline): Uncertain significance (1 of 4 stars; one submission).

Conditions:
Pyruvate kinase deficiency of red cells (CNSHA2). Also called: PK DEFICIENCY; PYRUVATE KINASE DEFICIENCY OF ERYTHROCYTE; Pyruvate kinase deficiency, Amish type. Identifiers: Orphanet 766, MedGen C0340968, MONDO:0009950, OMIM 266200.

Allele frequency attached by ClinVar (database versions not stated): gnomAD exomes below 0.00001.

Submission:

3billion
Classification: Uncertain significance for Pyruvate kinase deficiency of red cells. Last evaluated: 2022-09-01. Review status: criteria provided, single submitter. Criteria: ACMG Guidelines, 2015. Collection method: clinical testing. Allele origin: germline. Affected: yes. Observed: 1 heterozygote.
Comment: The variant is not observed in the gnomAD v2.1.1 dataset. In silico tools predict the variant to alter splicing and produce an abnormal transcript (SpliceAI: 0.85). Therefore, this variant is classified as uncertain significance according to the recommendation of ACMG/AMP guideline.

NM_000298.6(PKLR):c.694+43C>T

Gene: PKLR (pyruvate kinase L/R; minus strand). Cytogenetic location: 1q22.
Variant type: single nucleotide variant.
Coding change: c.694+43C>T on transcript NM_000298.6 (MANE Select); 43 bases into the intron after coding-DNA position 694, C replaced by T.
Molecular consequence: intron variant.
Genome position (GRCh38, 1-based): chr1:155,295,073, G>A on the plus strand (C>T on the coding strand, the complement: PKLR is on the minus strand). VCF-style: chr1-155295073-G-A. GRCh37 (hg19) VCF-style: chr1-155264864-G-A.
Other names: c.601+43C>T (NM_181871.4).
Identifiers: ClinVar variation 1705526 (VCV001705526.1), dbSNP rs2525295651, ClinGen allele CA2580061140.